The following is an entry in ClinVar:

NM_177438.3(DICER1):c.2011A>G (p.Ile671Val)

Gene: DICER1 (dicer 1, ribonuclease III; minus strand). Cytogenetic location: 14q32.13.
Variant type: single nucleotide variant.
Coding change: c.2011A>G on transcript NM_177438.3 (MANE Select); coding-DNA position 2011, A replaced by G.
Protein change: p.Ile671Val; replaces isoleucine 671 with valine.
Molecular consequence: missense variant.
Genome position (GRCh38, 1-based): chr14:95,113,121, T>C on the plus strand (A>G on the coding strand, the complement: DICER1 is on the minus strand). VCF-style: chr14-95113121-T-C. GRCh37 (hg19) VCF-style: chr14-95579458-T-C.
Other names: c.2011A>G, p.Ile671Val (NM_001195573.1, NM_001271282.3, NM_001291628.2 and 1 more transcripts); short protein forms I671V.
Identifiers: ClinVar variation 412138 (VCV000412138.21), dbSNP rs768315203, ClinGen allele CA7331346.
Genomic context (GRCh38, chr14:95,113,121, plus strand): 5'-AGATAACAATCATTTCTTCTTCTAAACTTACAACAATGGAGGCTCGAAGAGGTGAGTTAA[T>C]TGGCAGATAAAGAGTTGAATAAAATGTACCATCAGGCAACTCTCGGGTTCTGCATTTAGG-3'
Protein context (NP_803187.1, residues 661-681): GTFYSTLYLP[Ile671Val]NSPLRASIVG

ClinVar aggregate classification (germline): Uncertain significance. Review status: criteria provided, multiple submitters, no conflicts (2 of 4 stars). 5 submissions from 5 submitters: Uncertain significance (5). Last evaluated 2025-04-20.

Conditions:
Hereditary cancer-predisposing syndrome. Also called: Hereditary neoplastic syndrome; Neoplastic Syndromes, Hereditary; Tumor predisposition; Hereditary Cancer Syndrome. Identifiers: Orphanet 140162, MedGen C0027672, MeSH D009386, MONDO:0015356.
DICER1-related tumor predisposition. Also called: DICER1-related pleuropulmonary blastoma cancer predisposition syndrome; DICER1 syndrome. Identifiers: Orphanet 284343, MedGen C3839822, MONDO:0100216.
Global developmental delay - lung cysts - overgrowth - Wilms tumor syndrome. Also called: GLOW Syndrome; GLOBAL DEVELOPMENTAL DELAY, LUNG CYSTS, OVERGROWTH, AND WILMS TUMOR. Identifiers: Orphanet 404476, MedGen C4748924, MONDO:0018445, OMIM 618272.

Allele frequency attached by ClinVar (database versions not stated): gnomAD exomes below 0.00001; ExAC 0.00001; gnomAD 0.00001; TOPMed 0.00002.
gnomAD v4.1: 9 of 1,613,818 alleles (0.00056%); highest among the groups gnomAD compares: Non-Finnish European, 0.00042%; no homozygotes.

Submissions (5):

Ambry Genetics
Classification: Uncertain significance for Hereditary cancer-predisposing syndrome. Last evaluated: 2025-04-20. Review status: criteria provided, single submitter. Criteria: Ambry Variant Classification Scheme 2023. Collection method: clinical testing. Allele origin: germline.
Comment: The p.I671V variant (also known as c.2011A>G), located in coding exon 11 of the DICER1 gene, results from an A to G substitution at nucleotide position 2011. The isoleucine at codon 671 is replaced by valine, an amino acid with highly similar properties. This amino acid position is highly conserved in available vertebrate species. In addition, this alteration is predicted to be tolerated by in silico analysis. Since supporting evidence is limited at this time, the clinical significance of this alteration remains unclear.

Center for Genomic Medicine, Rigshospitalet, Copenhagen University Hospital
Classification: Uncertain significance. Last evaluated: 2025-03-04. Review status: criteria provided, single submitter. Criteria: ACMG Guidelines, 2015. Collection method: clinical testing. Allele origin: germline.

Hereditary Cancer Group, L’Institut d'Investigació Biomèdica de Bellvitge
Classification: Uncertain significance for Hereditary cancer-predisposing syndrome. Last evaluated: 2024-12-19. Review status: criteria provided, single submitter. Criteria: Hatton et al. (Hum Mutat. 2023). Collection method: clinical testing. Allele origin: germline. Inheritance: Autosomal dominant inheritance. Affected: yes.
Comment: BP4

Labcorp Genetics (formerly Invitae), Labcorp
Classification: Uncertain significance for DICER1-related tumor predisposition. Last evaluated: 2024-10-07. Review status: criteria provided, single submitter. Criteria: Invitae Variant Classification Sherloc (09022015). Collection method: clinical testing. Allele origin: germline.
Comment: This sequence change replaces isoleucine, which is neutral and non-polar, with valine, which is neutral and non-polar, at codon 671 of the DICER1 protein (p.Ile671Val). This variant is present in population databases (rs768315203, gnomAD 0.003%). This variant has not been reported in the literature in individuals affected with DICER1-related conditions. ClinVar contains an entry for this variant (Variation ID: 412138). Invitae Evidence Modeling of protein sequence and biophysical properties (such as structural, functional, and spatial information, amino acid conservation, physicochemical variation, residue mobility, and thermodynamic stability) indicates that this missense variant is not expected to disrupt DICER1 protein function with a negative predictive value of 95%. In summary, the available evidence is currently insufficient to determine the role of this variant in disease. Therefore, it has been classified as a Variant of Uncertain Significance.

Baylor Genetics
Classification: Uncertain significance for Global developmental delay - lung cysts - overgrowth - Wilms tumor syndrome. Last evaluated: 2024-01-26. Review status: criteria provided, single submitter. Criteria: ACMG Guidelines, 2015. Collection method: clinical testing. Allele origin: unknown.